The following is an entry in ClinVar:

ClinVar aggregate classification (germline): Uncertain significance (1 of 4 stars; one submission).

gnomAD v4.1: 104 of 1,609,080 alleles (0.0065%); highest among the groups gnomAD compares: South Asian, 0.044%; no homozygotes.

Submission:

CeGaT Center for Human Genetics Tuebingen
Classification: Uncertain significance. Last evaluated: 2026-01-01. Review status: criteria provided, single submitter. Criteria: CeGaT Center For Human Genetics Tuebingen Variant Classification Criteria Version 2. Collection method: clinical testing. Allele origin: germline. Affected: yes. Observed: 1 variant allele.
Comment: PLXNB2: PM2, PM3:Supporting

NM_012401.4(PLXNB2):c.2785C>T (p.Arg929Trp)

Genes: PLXNB2 (plexin B2; minus strand), LOC126863184 (MED14-independent group 3 enhancer GRCh37_chr22:50720546-50721745; plus strand). Cytogenetic location: 22q13.33.
Variant type: single nucleotide variant.
Coding change: c.2785C>T on transcript NM_012401.4 (MANE Select); coding-DNA position 2785, C replaced by T.
Protein change: p.Arg929Trp; replaces arginine 929 with tryptophan.
Molecular consequence: missense variant.
Genome position (GRCh38, 1-based): chr22:50,283,081, G>A on the plus strand (C>T on the coding strand, the complement: PLXNB2 is on the minus strand). VCF-style: chr22-50283081-G-A. GRCh37 (hg19) VCF-style: chr22-50721510-G-A.
Other names: c.2785C>T, p.Arg929Trp (NM_001376864.1, NM_001376866.1, NM_001376867.1 and 18 more transcripts); c.2854C>T, p.Arg952Trp (NM_001376865.1); c.2692C>T, p.Arg898Trp (NM_001376886.1); short protein forms R898W, R929W, R952W.
Identifiers: ClinVar variation 4821860 (VCV004821860.4).
Genomic context (GRCh38, chr22:50,283,081, plus strand): 5'-CAGACTCAGCAGCTGGCGGTGACACCCACACTTTACACGGGACGCCGTTGAGGGTCACCC[G>A]CACGTCCTCCTGGGAGCCCGTGTCCAGGTGGGTGCCGTGGATGGTCAGTGTGGTGCCGCC-3'
Protein context (NP_036533.2, residues 919-939): HLDTGSQEDV[Arg929Trp]VTLNGVPCKV